The following is an entry in ClinVar:

NM_139058.3(ARX):c.1561G>A (p.Ala521Thr)

Gene: ARX (aristaless related homeobox; minus strand). Cytogenetic location: Xp21.3.
Variant type: single nucleotide variant.
Coding change: c.1561G>A on transcript NM_139058.3 (MANE Select); coding-DNA position 1561, G replaced by A.
Protein change: p.Ala521Thr; replaces alanine 521 with threonine.
Molecular consequence: missense variant.
Genome position (GRCh38, 1-based): chrX:25,004,798, C>T on the plus strand (G>A on the coding strand, the complement: ARX is on the minus strand). VCF-style: chrX-25004798-C-T. GRCh37 (hg19) VCF-style: chrX-25022915-C-T.
Other names: short protein forms A521T.
Identifiers: ClinVar variation 210322 (VCV000210322.26), dbSNP rs746120093, ClinGen allele CA206413.
Genomic context (GRCh38, chrX:25,004,798, plus strand): 5'-CCTTGGCCTTGAGCCTCAGCGCGGCTATGCTAGAGGCGCGTCTGTCTGCGGCCGCCGTGG[C>T]CGGGTCGGCCAGGGCGCCCGATGCCACTGCGCCCTCCACGGCGGGTGTGGGCTGTCTCAG-3'
Protein context (NP_620689.1, residues 511-531): AVASGALADP[Ala521Thr]TAAADRRASS

ClinVar aggregate classification (germline): Uncertain significance. Review status: criteria provided, multiple submitters, no conflicts (2 of 4 stars). 5 submissions from 5 submitters: Uncertain significance (4). 1 of the submissions does not count toward it. Last evaluated 2026-01-28.

Conditions:
Developmental and epileptic encephalopathy, 1 (DEE1). Also called: Epileptic encephalopathy, early infantile, 1; X-linked infantile spasms; West's syndrome; Tonic spasms with clustering, arrest of psychomotor development and hypsarrhythmia on EEG; X-Linked Infantile Spasm Syndrome; OHTAHARA SYNDROME, X-LINKED. Identifiers: MedGen C3463992, MONDO:0010632, OMIM 308350. Disease mechanism: loss of function.
Intellectual disability, X-linked, with or without seizures, ARX-related. Also called: Mental retardation, X-linked 52; INTELLECTUAL DEVELOPMENTAL DISORDER, X-LINKED 29; MENTAL RETARDATION, X-LINKED 29; MENTAL RETARDATION, X-LINKED 32; MENTAL RETARDATION, X-LINKED 33; MENTAL RETARDATION, X-LINKED 38. Identifiers: Orphanet 777, MedGen C0796244, MONDO:0010317, OMIM 300419.
Inborn genetic diseases. Identifiers: MedGen C0950123, MeSH D030342.
Intellectual disability. Also called: Intellectual functioning disability; Intellectual developmental disorder; intellectual disabilities. Identifiers: MedGen C3714756, MeSH D008607, MONDO:0001071, HP:0001249.

Allele frequency attached by ClinVar (database versions not stated): ExAC below 0.00001; gnomAD 0.00002; gnomAD exomes 0.00003 and 0.00002; TOPMed 0.00002.
gnomAD v4.1: 22 of 1,171,641 alleles (0.0019%); highest among the groups gnomAD compares: Non-Finnish European, 0.0024%; no homozygotes.

Submissions (5):

Labcorp Genetics (formerly Invitae), Labcorp
Classification: Uncertain significance for Developmental and epileptic encephalopathy, 1; Intellectual disability, X-linked, with or without seizures, ARX-related. Last evaluated: 2026-01-28. Review status: criteria provided, single submitter. Criteria: Invitae Variant Classification Sherloc (09022015). Collection method: clinical testing. Allele origin: germline.
Comment: This sequence change replaces alanine, which is neutral and non-polar, with threonine, which is neutral and polar, at codon 521 of the ARX protein (p.Ala521Thr). The frequency data for this variant in the population databases is considered unreliable, as metrics indicate poor data quality at this position in the gnomAD database. This missense change has been observed in individuals with ARX-related conditions (PMID: 14722918; internal data). ClinVar contains an entry for this variant (Variation ID: 210322). Invitae Evidence Modeling of protein sequence and biophysical properties (such as structural, functional, and spatial information, amino acid conservation, physicochemical variation, residue mobility, and thermodynamic stability) indicates that this missense variant is not expected to disrupt ARX protein function with a negative predictive value of 80%. In summary, the available evidence is currently insufficient to determine the role of this variant in disease. Therefore, it has been classified as a Variant of Uncertain Significance.

Women's Health and Genetics/Laboratory Corporation of America, LabCorp
Classification: Uncertain significance. Last evaluated: 2024-08-30. Review status: criteria provided, single submitter. Criteria: LabCorp Variant Classification Summary - May 2015. Collection method: clinical testing. Allele origin: germline.
Comment: Variant summary: ARX c.1561G>A (p.Ala521Thr) results in a non-conservative amino acid change in the encoded protein sequence. Three of five in-silico tools predict a benign effect of the variant on protein function. The variant allele was found at a frequency of 2.7e-05 in 111006 control chromosomes, including one hemizygote. The available data on variant occurrences in the general population are insufficient to allow any conclusion about variant significance. c.1561G>A has been reported in the literature in an individual affected with X-linked lissencephaly with abnormal genitalia and cerebellar hypoplasia (Kato_2004). These data do not allow any conclusion about variant significance. To our knowledge, no experimental evidence demonstrating an impact on protein function has been reported. The following publication has been ascertained in the context of this evaluation (PMID: 14722918). ClinVar contains an entry for this variant (Variation ID: 210322). Based on the evidence outlined above, the variant was classified as uncertain significance.

Ambry Genetics
Classification: Uncertain significance for Inborn genetic diseases. Last evaluated: 2016-06-06. Review status: criteria provided, single submitter. Criteria: Ambry exome assertion method (8-5-2015). Collection method: clinical testing. Allele origin: germline. Affected: yes. Observed: 1 variant allele.

Genetic Services Laboratory, University of Chicago
Classification: Uncertain significance. Last evaluated: 2013-02-08. Review status: criteria provided, single submitter. Criteria: ACMG Guidelines, 2007. Collection method: clinical testing. Allele origin: germline.

Diagnostic Laboratory, Strasbourg University Hospital
Classification: Uncertain significance for Intellectual disability. Last evaluated: 2018-12-01. Review status: no assertion criteria provided. Collection method: clinical testing. Allele origin: maternal. Affected: yes. Observed: 1 hemizygote. Not counted in ClinVar's aggregate classification.

Literature cited by the submitters: PubMed 14722918 (cited by Labcorp Genetics (formerly Invitae), Labcorp and Women's Health and Genetics/Laboratory Corporation of America, LabCorp).